The following is an entry in ClinVar:

ClinVar aggregate classification (germline): Uncertain significance. Review status: criteria provided, multiple submitters, no conflicts (2 of 4 stars). 4 submissions from 4 submitters: Uncertain significance (4). Last evaluated 2025-05-24.

Conditions:
Inborn genetic diseases. Identifiers: MedGen C0950123, MeSH D030342.
2-aminoadipic 2-oxoadipic aciduria (AAKAD). Also called: ALPHA-AMINOADIPIC AND ALPHA-KETOADIPIC ACIDURIA; Aminoadipic aciduria. Identifiers: Orphanet 79154, MedGen C1859817, MONDO:0008774, OMIM 204750.

Allele frequency attached by ClinVar (database versions not stated): gnomAD exomes below 0.00001; TOPMed 0.00003; gnomAD 0.00005 and 0.00006.

Submissions (4):

Labcorp Genetics (formerly Invitae), Labcorp
Classification: Uncertain significance for 2-aminoadipic 2-oxoadipic aciduria. Last evaluated: 2025-05-24. Review status: criteria provided, single submitter. Criteria: Invitae Variant Classification Sherloc (09022015). Collection method: clinical testing. Allele origin: germline.
Comment: This sequence change replaces tyrosine, which is neutral and polar, with cysteine, which is neutral and slightly polar, at codon 24 of the DHTKD1 protein (p.Tyr24Cys). The frequency data for this variant in the population databases is considered unreliable, as metrics indicate poor data quality at this position in the gnomAD database. This variant has not been reported in the literature in individuals affected with DHTKD1-related conditions. ClinVar contains an entry for this variant (Variation ID: 1029713). An algorithm developed to predict the effect of missense changes on protein structure and function (PolyPhen-2) suggests that this variant is likely to be disruptive. In summary, the available evidence is currently insufficient to determine the role of this variant in disease. Therefore, it has been classified as a Variant of Uncertain Significance.

Ambry Genetics
Classification: Uncertain significance for Inborn genetic diseases. Last evaluated: 2025-03-30. Review status: criteria provided, single submitter. Criteria: Ambry Variant Classification Scheme 2023. Collection method: clinical testing. Allele origin: germline.

Greenwood Genetic Center Diagnostic Laboratories, Greenwood Genetic Center
Classification: Uncertain significance. Last evaluated: 2022-07-12. Review status: criteria provided, single submitter. Criteria: ACMG Guidelines, 2015. Collection method: clinical testing. Allele origin: germline. Affected: yes.
Comment: PM2, PP3

Baylor Genetics
Classification: Uncertain significance for 2-aminoadipic 2-oxoadipic aciduria. Last evaluated: 2020-04-08. Review status: criteria provided, single submitter. Criteria: ACMG Guidelines, 2015. Collection method: clinical testing. Allele origin: maternal. Affected: yes.
Comment: This variant was determined to be of uncertain significance according to ACMG Guidelines, 2015 [PMID:25741868].

NM_018706.7(DHTKD1):c.71A>G (p.Tyr24Cys)

Gene: DHTKD1 (dehydrogenase E1 and transketolase domain containing 1; plus strand). Cytogenetic location: 10p14.
Variant type: single nucleotide variant.
Coding change: c.71A>G on transcript NM_018706.7 (MANE Select); coding-DNA position 71, A replaced by G.
Protein change: p.Tyr24Cys; replaces tyrosine 24 with cysteine.
Molecular consequence: missense variant.
Genome position (GRCh38, 1-based): chr10:12,069,104, A>G. VCF-style: chr10-12069104-A-G. GRCh37 (hg19) VCF-style: chr10-12111103-A-G.
Other names: short protein forms Y24C.
Identifiers: ClinVar variation 1029713 (VCV001029713.10), dbSNP rs895237537, ClinGen allele CA202566973.